The following is an entry in ClinVar:

NM_005732.4(RAD50):c.1571A>C (p.Glu524Ala)

Gene: RAD50 (RAD50 double strand break repair protein; plus strand). Cytogenetic location: 5q31.1.
Variant type: single nucleotide variant.
Coding change: c.1571A>C on transcript NM_005732.4 (MANE Select); coding-DNA position 1571, A replaced by C.
Protein change: p.Glu524Ala; replaces glutamic acid 524 with alanine.
Molecular consequence: missense variant.
Genome position (GRCh38, 1-based): chr5:132,591,342, A>C. VCF-style: chr5-132591342-A-C. GRCh37 (hg19) VCF-style: chr5-131927034-A-C.
Other names: short protein forms E524A.
Identifiers: ClinVar variation 656372 (VCV000656372.9), dbSNP rs1580994426, ClinGen allele CA360945945.

ClinVar aggregate classification (germline): Uncertain significance (1 of 4 stars; one submission).

Conditions:
Hereditary cancer-predisposing syndrome. Also called: Hereditary neoplastic syndrome; Tumor predisposition; Neoplastic Syndromes, Hereditary; Hereditary Cancer Syndrome. Identifiers: Orphanet 140162, MedGen C0027672, MeSH D009386, MONDO:0015356.

Submission:

Labcorp Genetics (formerly Invitae), Labcorp
Classification: Uncertain significance for Hereditary cancer-predisposing syndrome. Last evaluated: 2022-03-09. Review status: criteria provided, single submitter. Criteria: Invitae Variant Classification Sherloc (09022015). Collection method: clinical testing. Allele origin: germline.
Comment: In summary, the available evidence is currently insufficient to determine the role of this variant in disease. Therefore, it has been classified as a Variant of Uncertain Significance. Algorithms developed to predict the effect of missense changes on protein structure and function are either unavailable or do not agree on the potential impact of this missense change (SIFT: "Tolerated"; PolyPhen-2: "Probably Damaging"; Align-GVGD: "Class C15"). ClinVar contains an entry for this variant (Variation ID: 656372). This variant has not been reported in the literature in individuals affected with RAD50-related conditions. This variant is not present in population databases (gnomAD no frequency). This sequence change replaces glutamic acid, which is acidic and polar, with alanine, which is neutral and non-polar, at codon 524 of the RAD50 protein (p.Glu524Ala).